The following is an entry in ClinVar:

NM_003966.3(SEMA5A):c.2073+2T>A

Gene: SEMA5A (semaphorin 5A; minus strand). Cytogenetic location: 5p15.31.
Variant type: single nucleotide variant.
Coding change: c.2073+2T>A on transcript NM_003966.3 (MANE Select); the canonical splice donor site of the intron after coding-DNA position 2073, T replaced by A.
Molecular consequence: splice donor variant.
Genome position (GRCh38, 1-based): chr5:9,108,138, A>T on the plus strand (T>A on the coding strand, the complement: SEMA5A is on the minus strand). VCF-style: chr5-9108138-A-T. GRCh37 (hg19) VCF-style: chr5-9108250-A-T.
Identifiers: ClinVar variation 3344285 (VCV003344285.1).

ClinVar aggregate classification (germline): Uncertain significance (0 of 4 stars; one submission).

Conditions:
SEMA5A-related disorder. Also called: SEMA5A-related condition.

Submission:

PreventionGenetics, part of Exact Sciences
Classification: Uncertain significance for SEMA5A-related condition. Last evaluated: 2024-09-04. Review status: no assertion criteria provided. Collection method: clinical testing. Allele origin: germline.
Comment: The SEMA5A c.2073+2T>A variant is predicted to disrupt the GT donor site and interfere with normal splicing. To our knowledge, this variant has not been reported in the literature or in a large population database, indicating this variant is rare. At this time, the clinical significance of this variant is uncertain due to the absence of conclusive functional and genetic evidence.